The following is an entry in ClinVar:

NM_000038.6(APC):c.3073A>G (p.Ile1025Val)

Gene: APC (APC regulator of Wnt signaling pathway; plus strand). Cytogenetic location: 5q22.2.
Variant type: single nucleotide variant.
Coding change: c.3073A>G on transcript NM_000038.6 (MANE Select); coding-DNA position 3073, A replaced by G.
Protein change: p.Ile1025Val; replaces isoleucine 1025 with valine.
Molecular consequence: missense variant.
Genome position (GRCh38, 1-based): chr5:112,838,667, A>G. VCF-style: chr5-112838667-A-G. GRCh37 (hg19) VCF-style: chr5-112174364-A-G.
Other names: p.I1025V:ATA>GTA; c.3073A>G, p.Ile1025Val (NM_001127510.3, NM_001354895.2); c.3019A>G, p.Ile1007Val (NM_001127511.3); c.3127A>G, p.Ile1043Val (NM_001354896.2); c.3103A>G, p.Ile1035Val (NM_001354897.2); c.2998A>G, p.Ile1000Val (NM_001354898.2); c.2989A>G, p.Ile997Val (NM_001354899.2); c.2950A>G, p.Ile984Val (NM_001354900.2); and 6 more; short protein forms I1007V, I1025V, I742V, I934V, I865V, I899V, I1035V, I966V.
Identifiers: ClinVar variation 181798 (VCV000181798.21), dbSNP rs370591349, ClinGen allele CA008024.
Genomic context (GRCh38, chr5:112,838,667, plus strand): 5'-GCCCATAAAATACATAGTGCAAATCATATGGATGATAATGATGGAGAACTAGATACACCA[A>G]TAAATTATAGTCTTAAATATTCAGATGAGCAGTTGAACTCTGGAAGGCAAAGTCCTTCAC-3'
Protein context (NP_000029.2, residues 1015-1035): DDNDGELDTP[Ile1025Val]NYSLKYSDEQ

ClinVar aggregate classification (germline): Uncertain significance. Review status: criteria provided, multiple submitters, no conflicts (2 of 4 stars). 4 submissions from 4 submitters: Uncertain significance (4). Last evaluated 2023-11-14.

Conditions:
Hereditary cancer-predisposing syndrome. Also called: Tumor predisposition; Hereditary Cancer Syndrome; Hereditary neoplastic syndrome; Neoplastic Syndromes, Hereditary. Identifiers: Orphanet 140162, MedGen C0027672, MeSH D009386, MONDO:0015356.
Familial adenomatous polyposis 1 (FAP1). Also called: FAMILIAL ADENOMATOUS POLYPOSIS 1, ATTENUATED; POLYPOSIS, ADENOMATOUS INTESTINAL. Identifiers: MedGen C2713442, MONDO:0021056, OMIM 175100. Disease mechanism: loss of function.

Allele frequency attached by ClinVar (database versions not stated): gnomAD exomes below 0.00001 and 0.00001; TOPMed below 0.00001; ExAC 0.00001; ESP Exome Variant Server 0.00008.
gnomAD v4.1: 3 of 1,614,208 alleles (0.00019%); highest among the groups gnomAD compares: East Asian, 0.0022%; no homozygotes.

Submissions (4):

Labcorp Genetics (formerly Invitae), Labcorp
Classification: Uncertain significance for Familial adenomatous polyposis 1. Last evaluated: 2023-11-14. Review status: criteria provided, single submitter. Criteria: Invitae Variant Classification Sherloc (09022015). Collection method: clinical testing. Allele origin: germline.
Comment: This sequence change replaces isoleucine, which is neutral and non-polar, with valine, which is neutral and non-polar, at codon 1025 of the APC protein (p.Ile1025Val). This variant is present in population databases (rs370591349, gnomAD 0.006%). This variant has not been reported in the literature in individuals affected with APC-related conditions. ClinVar contains an entry for this variant (Variation ID: 181798). Advanced modeling of protein sequence and biophysical properties (such as structural, functional, and spatial information, amino acid conservation, physicochemical variation, residue mobility, and thermodynamic stability) performed at Invitae indicates that this missense variant is not expected to disrupt APC protein function with a negative predictive value of 95%. In summary, the available evidence is currently insufficient to determine the role of this variant in disease. Therefore, it has been classified as a Variant of Uncertain Significance.

Color Diagnostics, LLC DBA Color Health
Classification: Uncertain significance for Hereditary cancer-predisposing syndrome. Last evaluated: 2023-08-02. Review status: criteria provided, single submitter. Criteria: ACMG Guidelines, 2015. Collection method: clinical testing. Allele origin: germline.
Comment: This missense variant replaces isoleucine with valine at codon 1025 of the APC protein. Computational prediction is inconclusive regarding the impact of this variant on protein structure and function (internally defined REVEL score threshold 0.5 < inconclusive < 0.7, PMID: 27666373). To our knowledge, functional studies have not been reported for this variant. This variant has not been reported in individuals affected with APC-related disorders in the literature. This variant has been identified in 2/250952 chromosomes in the general population by the Genome Aggregation Database (gnomAD). The available evidence is insufficient to determine the role of this variant in disease conclusively. Therefore, this variant is classified as a Variant of Uncertain Significance.

Ambry Genetics
Classification: Uncertain significance for Hereditary cancer-predisposing syndrome. Last evaluated: 2022-03-03. Review status: criteria provided, single submitter. Criteria: Ambry Variant Classification Scheme 2023. Collection method: clinical testing. Allele origin: germline.
Comment: The p.I1025V variant (also known as c.3073A>G), located in coding exon 15 of the APC gene, results from an A to G substitution at nucleotide position 3073. The isoleucine at codon 1025 is replaced by valine, an amino acid with highly similar properties. In one study, this variant was detected in 1/165 colorectal cancer and/or polyposis patients and was identified in 1/2512 control individuals from a healthy population database (Rosenthal EA et al. Hum Genet, 2018 Oct;137:795-806). This amino acid position is highly conserved in available vertebrate species. In addition, in silico predictors for this gene do not accurately predict pathogenicity. Since supporting evidence is limited at this time, the clinical significance of this alteration remains unclear.

GeneDx
Classification: Uncertain significance. Last evaluated: 2014-10-01. Review status: criteria provided, single submitter. Criteria: GeneDx Variant Classification (06012015). Collection method: clinical testing. Allele origin: germline. Affected: yes.
Comment: This variant is denoted APC c.3073A>G at the cDNA level, p.Ile1025Val (I1025V) at the protein level, and results in the change of an Isoleucine to a Valine (ATA>GTA). This variant has not, to our knowledge, been published in the literature as pathogenic or benign. APC Ile1025Val was not observed at a significant allele frequency in the NHLBI Exome Sequencing Project. Since Isoleucine and Valine share similar properties, this is considered a conservative amino acid substitution. APC Ile1025Val occurs at a position that is conserved across species and is located in a domain responsible for down-regulation through a process mediated by direct ubiquitination (UniProt). In silico analyses predict that this variant is probably damaging to protein structure and function. Based on currently available information, it is unclear whether APC Ile1025Val is pathogenic or benign. We consider it to be a variant of uncertain significance.

Literature cited by the submitters: PubMed 30267214 (cited by Ambry Genetics).